The following is an entry in ClinVar:

ClinVar aggregate classification (germline): Benign. Review status: criteria provided, multiple submitters, no conflicts (2 of 4 stars). 3 submissions from 3 submitters: Benign (3). Last evaluated 2024-05-19.

Conditions:
Cataract 6 multiple types. Also called: CATARACT 6, POSTERIOR POLAR; CATARACT 6, CONGENITAL TOTAL; CATARACT, AGE-RELATED CORTICAL, 2. Identifiers: Orphanet 91492, MedGen C1861825, MONDO:0007288, OMIM 116600.

Allele frequency attached by ClinVar (database versions not stated): gnomAD exomes 0.00036 and 0.00075; ExAC 0.00084; gnomAD 0.00240 and 0.00254; 1000 Genomes Project 30x 0.00250; ESP Exome Variant Server 0.00254; 1000 Genomes Project 0.00260; TOPMed 0.00273.
gnomAD v4.1: 922 of 1,612,280 alleles (0.057%); highest among the groups gnomAD compares: African/African-American, 0.83%; 5 homozygotes.

Submissions (3):

Labcorp Genetics (formerly Invitae), Labcorp
Classification: Benign for Cataract 6 multiple types. Last evaluated: 2024-05-19. Review status: criteria provided, single submitter. Criteria: Invitae Variant Classification Sherloc (09022015). Collection method: clinical testing. Allele origin: germline.

Illumina Laboratory Services, Illumina
Classification: Benign for Cataract 6 multiple types. Last evaluated: 2018-01-13. Review status: criteria provided, single submitter. Criteria: ICSL Variant Classification Criteria 13 December 2019. Collection method: clinical testing. Allele origin: germline.
Comment: This variant was observed in the ICSL laboratory as part of a predisposition screen in an ostensibly healthy population. It had not been previously curated by ICSL or reported in the Human Gene Mutation Database (HGMD: prior to June 1st, 2018), and was therefore a candidate for classification through an automated scoring system. Utilizing variant allele frequency, disease prevalence and penetrance estimates, and inheritance mode, an automated score was calculated to assess if this variant is too frequent to cause the disease. Based on the score and internal cut-off values, a variant classified as benign is not then subjected to further curation. The score for this variant resulted in a classification of benign for this disease.

Breakthrough Genomics
Classification: Benign. Review status: criteria provided, single submitter. Criteria: ACMG Guidelines, 2015. Collection method: not provided. Allele origin: germline. Inheritance: Autosomal dominant inheritance. Affected: yes.

NM_004431.5(EPHA2):c.507C>T (p.Ser169=)

Gene: EPHA2 (EPH receptor A2; minus strand). Cytogenetic location: 1p36.13.
Variant type: single nucleotide variant.
Coding change: c.507C>T on transcript NM_004431.5 (MANE Select); coding-DNA position 507, C replaced by T.
Protein change: p.Ser169=; no amino-acid change (serine 169 retained).
Molecular consequence: synonymous variant.
Genome position (GRCh38, 1-based): chr1:16,148,694, G>A on the plus strand (C>T on the coding strand, the complement: EPHA2 is on the minus strand). VCF-style: chr1-16148694-G-A. GRCh37 (hg19) VCF-style: chr1-16475189-G-A.
Other names: c.345C>T, p.Ser115= (NM_001329090.2).
Identifiers: ClinVar variation 293446 (VCV000293446.12), dbSNP rs139064351, ClinGen allele CA625504.